The following is an entry in ClinVar:

ClinVar aggregate classification (germline): Uncertain significance (1 of 4 stars; one submission).

Conditions:
Cardiovascular phenotype. Identifiers: MedGen CN230736.

Submission:

Ambry Genetics
Classification: Uncertain significance for Cardiovascular phenotype. Last evaluated: 2020-06-01. Review status: criteria provided, single submitter. Criteria: Ambry Variant Classification Scheme 2023. Collection method: clinical testing. Allele origin: germline.
Comment: The p.V5694F variant (also known as c.17080G>T), located in coding exon 66 of the TTN gene, results from a G to T substitution at nucleotide position 17080. The valine at codon 5694 is replaced by phenylalanine, an amino acid with highly similar properties. This amino acid position is highly conserved in available vertebrate species. In addition, the in silico prediction for this alteration is inconclusive. Since supporting evidence is limited at this time, the clinical significance of this alteration remains unclear.

NM_001267550.2(TTN):c.44275G>T (p.Val14759Phe)

Gene: TTN (titin; minus strand). Cytogenetic location: 2q31.2.
Variant type: single nucleotide variant.
Coding change: c.44275G>T on transcript NM_001267550.2 (MANE Select); coding-DNA position 44275, G replaced by T.
Protein change: p.Val14759Phe; replaces valine 14759 with phenylalanine.
Molecular consequence: missense variant.
Genome position (GRCh38, 1-based): chr2:178,630,247, C>A on the plus strand (G>T on the coding strand, the complement: TTN is on the minus strand). VCF-style: chr2-178630247-C-A. GRCh37 (hg19) VCF-style: chr2-179494974-C-A.
Other names: c.39352G>T, p.Val13118Phe (NM_001256850.1); c.17080G>T, p.Val5694Phe (NM_003319.4); c.36571G>T, p.Val12191Phe (NM_133378.4); c.17455G>T, p.Val5819Phe (NM_133432.3); c.17656G>T, p.Val5886Phe (NM_133437.4); short protein forms V13118F, V14759F, V5819F, V5886F, V5694F, V12191F.
Identifiers: ClinVar variation 1778491 (VCV001778491.2), dbSNP rs2471375419, ClinGen allele CA349645132.